The following is an entry in ClinVar:

ClinVar aggregate classification (germline): Uncertain significance. Review status: criteria provided, multiple submitters, no conflicts (2 of 4 stars). 2 submissions from 2 submitters: Uncertain significance (2). Last evaluated 2025-03-24.

Allele frequency attached by ClinVar (database versions not stated): gnomAD exomes 0.00001; TOPMed 0.00001.
gnomAD v4.1: 8 of 1,614,066 alleles (0.0005%); highest among the groups gnomAD compares: Non-Finnish European, 0.00068%; no homozygotes.

Submissions (2):

GeneDx
Classification: Uncertain significance. Last evaluated: 2025-03-24. Review status: criteria provided, single submitter. Criteria: GeneDx Variant Classification Process June 2021. Collection method: clinical testing. Allele origin: germline. Affected: yes.
Comment: Not observed at significant frequency in large population cohorts (gnomAD); In silico analysis supports that this missense variant has a deleterious effect on protein structure/function; Has not been previously published as pathogenic or benign to our knowledge

Labcorp Genetics (formerly Invitae), Labcorp
Classification: Uncertain significance. Last evaluated: 2024-10-18. Review status: criteria provided, single submitter. Criteria: Invitae Variant Classification Sherloc (09022015). Collection method: clinical testing. Allele origin: germline.
Comment: This sequence change replaces arginine, which is basic and polar, with tryptophan, which is neutral and slightly polar, at codon 4958 of the RNF213 protein (p.Arg4958Trp). This variant is not present in population databases (gnomAD no frequency). This variant has not been reported in the literature in individuals affected with RNF213-related conditions. Invitae Evidence Modeling of protein sequence and biophysical properties (such as structural, functional, and spatial information, amino acid conservation, physicochemical variation, residue mobility, and thermodynamic stability) indicates that this missense variant is not expected to disrupt RNF213 protein function with a negative predictive value of 95%. In summary, the available evidence is currently insufficient to determine the role of this variant in disease. Therefore, it has been classified as a Variant of Uncertain Significance.

NM_001256071.3(RNF213):c.14872C>T (p.Arg4958Trp)

Genes: RNF213 (ring finger protein 213; plus strand), RNF213-AS1 (RNF213 antisense RNA 1; minus strand). Cytogenetic location: 17q25.3.
Variant type: single nucleotide variant.
Coding change: c.14872C>T on transcript NM_001256071.3 (MANE Select); coding-DNA position 14872, C replaced by T.
Protein change: p.Arg4958Trp; replaces arginine 4958 with tryptophan.
Molecular consequence: missense variant.
Genome position (GRCh38, 1-based): chr17:80,386,841, C>T. VCF-style: chr17-80386841-C-T. GRCh37 (hg19) VCF-style: chr17-78360641-C-T.
Other names: c.15019C>T, p.Arg5007Trp (NM_001410195.1, NM_020914.5); c.14872C>T (NM_001256071.1); short protein forms R5007W, R4958W.
Identifiers: ClinVar variation 2973542 (VCV002973542.4), dbSNP rs1048620695, ClinGen allele CA294912823.